The following is an entry in ClinVar:

NM_001927.4(DES):c.341A>G (p.Glu114Gly)

Gene: DES (desmin; plus strand). Cytogenetic location: 2q35.
Variant type: single nucleotide variant.
Coding change: c.341A>G on transcript NM_001927.4 (MANE Select); coding-DNA position 341, A replaced by G.
Protein change: p.Glu114Gly; replaces glutamic acid 114 with glycine.
Molecular consequence: missense variant.
Genome position (GRCh38, 1-based): chr2:219,418,803, A>G. VCF-style: chr2-219418803-A-G. GRCh37 (hg19) VCF-style: chr2-220283525-A-G.
Other names: c.341A>G, p.Glu114Gly (NM_001382708.1, NM_001382709.1, NM_001382710.1 and 3 more transcripts); short protein forms E114G.
Identifiers: ClinVar variation 1352596 (VCV001352596.8), dbSNP rs2125166251, ClinGen allele CA350685372.

ClinVar aggregate classification (germline): Uncertain significance (1 of 4 stars; one submission).

Conditions:
Desmin-related myofibrillar myopathy (MFM1). Also called: Desminopathy; Desmin related myopathy (former name); Desmin storage myopathy (former name); MYOFIBRILLAR MYOPATHY WITH ARRHYTHMOGENIC RIGHT VENTRICULAR CARDIOMYOPATHY; DESMIN-RELATED MYOPATHY WITH ARRHYTHMOGENIC RIGHT VENTRICULAR CARDIOMYOPATHY; Myofibrillar myopathy 1. Identifiers: Orphanet 363543, Orphanet 98909, MedGen C1832370, MONDO:0011076, OMIM 601419.

Submission:

Labcorp Genetics (formerly Invitae), Labcorp
Classification: Uncertain significance for Desmin-related myofibrillar myopathy. Last evaluated: 2021-05-13. Review status: criteria provided, single submitter. Criteria: Invitae Variant Classification Sherloc (09022015). Collection method: clinical testing. Allele origin: germline.
Comment: This sequence change replaces glutamic acid with glycine at codon 114 of the DES protein (p.Glu114Gly). The glutamic acid residue is moderately conserved and there is a moderate physicochemical difference between glutamic acid and glycine. This variant is not present in population databases (ExAC no frequency). This variant has not been reported in the literature in individuals with DES-related conditions. Algorithms developed to predict the effect of missense changes on protein structure and function (SIFT, PolyPhen-2, Align-GVGD) all suggest that this variant is likely to be tolerated, but these predictions have not been confirmed by published functional studies and their clinical significance is uncertain. In summary, the available evidence is currently insufficient to determine the role of this variant in disease. Therefore, it has been classified as a Variant of Uncertain Significance.